The following is an entry in ClinVar:

NM_001854.4(COL11A1):c.1872A>G (p.Pro624=)

Gene: COL11A1 (collagen type XI alpha 1 chain; minus strand). Cytogenetic location: 1p21.1.
Variant type: single nucleotide variant.
Coding change: c.1872A>G on transcript NM_001854.4 (MANE Select); coding-DNA position 1872, A replaced by G.
Protein change: p.Pro624=; no amino-acid change (proline 624 retained).
Molecular consequence: synonymous variant. On other transcripts: non-coding transcript variant (1).
Genome position (GRCh38, 1-based): chr1:103,004,635, T>C on the plus strand (A>G on the coding strand, the complement: COL11A1 is on the minus strand). VCF-style: chr1-103004635-T-C. GRCh37 (hg19) VCF-style: chr1-103470191-T-C.
Other names: p.Pro624=; c.1755A>G, p.Pro585= (NM_001190709.2); c.1908A>G, p.Pro636= (NM_080629.3); c.1524A>G, p.Pro508= (NM_080630.4).
Identifiers: ClinVar variation 93967 (VCV000093967.31), dbSNP rs111841420, ClinGen allele CA147519.
Genomic context (GRCh38, chr1:103,004,635, plus strand): 5'-AAATATTTCTTAAGAAAAGAAGTATTAACATACCCTCATTCCATCATCACCAGGAGGACC[T>C]GGAGGACCTTGAGGACCTCGTTCACCCTGTTAAATCAATACAAATAAGATTAGCATATGG-3'
Protein context (NP_001845.3, residues 614-634): HRGERGPQGP[Pro624=]GPPGDDGMRG

ClinVar aggregate classification (germline): Benign. Review status: criteria provided, multiple submitters, no conflicts (2 of 4 stars). 15 submissions from 14 submitters: Benign (13). 2 of the submissions do not count toward it. Last evaluated 2026-05-09.

Conditions:
Connective tissue disorder. Also called: Connective tissue disease. Identifiers: MedGen C0009782, MONDO:0003900.
Fibrochondrogenesis 1 (FBCG1). Identifiers: Orphanet 2021, MedGen C3278138, MONDO:0009226, OMIM 228520.
Stickler syndrome type 2 (STL2). Also called: STICKLER SYNDROME, BEADED VITREOUS TYPE; STICKLER SYNDROME, VITREOUS TYPE 2; STICKLER SYNDROME, TYPE II; COL11A1-Related Stickler Syndrome. Identifiers: Orphanet 828, Orphanet 90654, MedGen C1858084, MONDO:0011493, OMIM 604841.

Allele frequency attached by ClinVar (database versions not stated): 1000 Genomes Project 0.01837; 1000 Genomes Project 30x 0.01983; gnomAD exomes 0.02217 and 0.02423; TOPMed 0.02349; ESP Exome Variant Server 0.02360; gnomAD 0.02361 and 0.02418; ExAC 0.02489.
gnomAD v4.1: 36,200 of 1,610,560 alleles (2.2%); highest among the groups gnomAD compares: Middle Eastern, 5.1%; 491 homozygotes.

Submissions (15):

Women's Health and Genetics/Laboratory Corporation of America, LabCorp
Classification: Benign. Last evaluated: 2026-05-09. Review status: criteria provided, single submitter. Criteria: LabCorp Variant Classification Summary - May 2015. Collection method: clinical testing. Allele origin: germline.

Labcorp Genetics (formerly Invitae), Labcorp
Classification: Benign. Last evaluated: 2026-02-04. Review status: criteria provided, single submitter. Criteria: Invitae Variant Classification Sherloc (09022015). Collection method: clinical testing. Allele origin: germline.

ARUP Laboratories, Molecular Genetics and Genomics, ARUP Laboratories
Classification: Benign. Last evaluated: 2025-05-08. Review status: criteria provided, single submitter. Criteria: ARUP Molecular Germline Variant Investigation Process 2024. Collection method: clinical testing. Allele origin: germline.

Blueprint Genetics
Classification: Benign. Last evaluated: 2024-11-26. Review status: criteria provided, single submitter. Criteria: ACMG Guidelines, 2015. Collection method: clinical testing. Allele origin: germline.

Genome Diagnostics Laboratory, The Hospital for Sick Children
Classification: Benign for Connective tissue disorder. Last evaluated: 2022-04-01. Review status: criteria provided, single submitter. Criteria: ACMG Guidelines, 2015. Collection method: clinical testing. Allele origin: germline.

Mayo Clinic Laboratories, Mayo Clinic
Classification: Benign. Last evaluated: 2021-06-23. Review status: criteria provided, single submitter. Criteria: ACMG Guidelines, 2015. Collection method: clinical testing. Allele origin: germline. Observed: 6 variant alleles.

Athena Diagnostics
Classification: Benign. Last evaluated: 2018-05-24. Review status: criteria provided, single submitter. Criteria: Athena Diagnostics Criteria. Collection method: clinical testing. Allele origin: germline.

Illumina Laboratory Services, Illumina
Classification: Benign for Fibrochondrogenesis 1. Last evaluated: 2018-01-12. Review status: criteria provided, single submitter. Criteria: ICSL Variant Classification Criteria 13 December 2019. Collection method: clinical testing. Allele origin: germline.
Comment: This variant was observed in the ICSL laboratory as part of a predisposition screen in an ostensibly healthy population. It had not been previously curated by ICSL or reported in the Human Gene Mutation Database (HGMD: prior to June 1st, 2018), and was therefore a candidate for classification through an automated scoring system. Utilizing variant allele frequency, disease prevalence and penetrance estimates, and inheritance mode, an automated score was calculated to assess if this variant is too frequent to cause the disease. Based on the score and internal cut-off values, a variant classified as benign is not then subjected to further curation. The score for this variant resulted in a classification of benign for this disease.

Illumina Laboratory Services, Illumina
Classification: Benign for Stickler syndrome type 2. Last evaluated: 2018-01-12. Review status: criteria provided, single submitter. Criteria: ICSL Variant Classification Criteria 13 December 2019. Collection method: clinical testing. Allele origin: germline.
Comment: the same text as in the submission from Illumina Laboratory Services, Illumina above.

GeneDx
Classification: Benign. Last evaluated: 2016-10-03. Review status: criteria provided, single submitter. Criteria: GeneDx Variant Classification (06012015). Collection method: clinical testing. Allele origin: germline. Affected: yes.
Comment: This variant is considered likely benign or benign based on one or more of the following criteria: it is a conservative change, it occurs at a poorly conserved position in the protein, it is predicted to be benign by multiple in silico algorithms, and/or has population frequency not consistent with disease.

Eurofins Ntd Llc (ga)
Classification: Benign. Last evaluated: 2013-09-26. Review status: criteria provided, single submitter. Criteria: EGL Classification Definitions 2015. Collection method: clinical testing. Allele origin: germline. Observed: 1 variant allele, 1 heterozygote.

Breakthrough Genomics
Classification: Benign. Review status: criteria provided, single submitter. Criteria: ACMG Guidelines, 2015. Collection method: not provided. Allele origin: germline. Inheritance: Autosomal recessive inheritance. Affected: yes.

PreventionGenetics, part of Exact Sciences
Classification: Benign. Review status: criteria provided, single submitter. Criteria: ACMG Guidelines, 2015. Collection method: clinical testing. Allele origin: germline.

Genome Diagnostics Laboratory, Amsterdam University Medical Center
Classification: Benign. Review status: no assertion criteria provided. Collection method: clinical testing. Allele origin: germline. Affected: yes. Study: VKGL Data-share Consensus. Not counted in ClinVar's aggregate classification.

Joint Genome Diagnostic Labs from Nijmegen and Maastricht, Radboudumc and MUMC+
Classification: Benign. Review status: no assertion criteria provided. Collection method: clinical testing. Allele origin: germline. Affected: yes. Study: VKGL Data-share Consensus. Not counted in ClinVar's aggregate classification.